The following is an entry in ClinVar:

ClinVar aggregate classification (germline): Uncertain significance. Review status: criteria provided, multiple submitters, no conflicts (2 of 4 stars). 3 submissions from 3 submitters: Uncertain significance (3). Last evaluated 2022-03-04.

Conditions:
Familial thoracic aortic aneurysm and aortic dissection (TAAD). Also called: Thoracic aortic aneurysms and dissections. Identifiers: Orphanet 91387, MedGen C4707243, MONDO:0019625.
Aortic aneurysm, familial thoracic 7 (AAT7). Also called: AORTIC DISSECTION, FAMILIAL, WITH OR WITHOUT AORTIC ANEURYSM. Identifiers: MedGen C3151077, MONDO:0013418, OMIM 613780.

Allele frequency attached by ClinVar (database versions not stated): gnomAD 0.00001; ExAC 0.00002; TOPMed below 0.00001; 1000 Genomes Project 30x 0.00016; 1000 Genomes Project 0.00020; gnomAD exomes 0.00001 and 0.00003.
gnomAD v4.1: 15 of 1,614,198 alleles (0.00093%); highest among the groups gnomAD compares: Admixed American, 0.01%; no homozygotes.

Submissions (3):

Labcorp Genetics (formerly Invitae), Labcorp
Classification: Uncertain significance for Aortic aneurysm, familial thoracic 7. Last evaluated: 2022-03-04. Review status: criteria provided, single submitter. Criteria: Invitae Variant Classification Sherloc (09022015). Collection method: clinical testing. Allele origin: germline.
Comment: This sequence change replaces arginine, which is basic and polar, with histidine, which is basic and polar, at codon 888 of the MYLK protein (p.Arg888His). This variant is present in population databases (rs528507616, gnomAD 0.02%). This variant has not been reported in the literature in individuals affected with MYLK-related conditions. ClinVar contains an entry for this variant (Variation ID: 423801). Advanced modeling of protein sequence and biophysical properties (such as structural, functional, and spatial information, amino acid conservation, physicochemical variation, residue mobility, and thermodynamic stability) performed at Invitae indicates that this missense variant is not expected to disrupt MYLK protein function. In summary, the available evidence is currently insufficient to determine the role of this variant in disease. Therefore, it has been classified as a Variant of Uncertain Significance.

Genetics and Molecular Pathology, SA Pathology
Classification: Uncertain significance for Familial thoracic aortic aneurysm and aortic dissection. Last evaluated: 2021-07-28. Review status: criteria provided, single submitter. Criteria: ACMG Guidelines, 2015. Collection method: clinical testing. Allele origin: germline. Affected: yes.

GeneDx
Classification: Uncertain significance. Last evaluated: 2018-01-23. Review status: criteria provided, single submitter. Criteria: GeneDx Variant Classification (06012015). Collection method: clinical testing. Allele origin: germline. Affected: yes.
Comment: The R888H variant has not been publishedas pathogenic or been reported as benign to our knowledge. It is not observed at a significant frequency in largepopulation cohorts (Lek et al., 2016; 1000 Genomes Consortium et al., 2015; Exome Variant Server). The R888Hsubstitution occurs at a position where only amino acids with similar properties to arginine (R) are tolerated acrossspecies. However, R888H is a conservative amino acid substitution, which is not likely to impact secondary proteinstructure as these residues share similar properties. Finally, in silico analysis is inconsistent in its predictions as towhether or not the variant is damaging to the protein structure/function.

NM_053025.4(MYLK):c.2663G>A (p.Arg888His)

Gene: MYLK (myosin light chain kinase; minus strand). Cytogenetic location: 3q21.1.
Variant type: single nucleotide variant.
Coding change: c.2663G>A on transcript NM_053025.4 (MANE Select); coding-DNA position 2663, G replaced by A.
Protein change: p.Arg888His; replaces arginine 888 with histidine.
Molecular consequence: missense variant.
Genome position (GRCh38, 1-based): chr3:123,700,805, C>T on the plus strand (G>A on the coding strand, the complement: MYLK is on the minus strand). VCF-style: chr3-123700805-C-T. GRCh37 (hg19) VCF-style: chr3-123419652-C-T.
Other names: c.2135G>A, p.Arg712His (NM_001321309.2); c.2456G>A, p.Arg819His (NM_053026.4, NM_053028.4); c.2663G>A, p.Arg888His (NM_053027.4); short protein forms R888H, R712H, R819H.
Identifiers: ClinVar variation 423801 (VCV000423801.11), dbSNP rs528507616, ClinGen allele CA068852.